The following is an entry in ClinVar:

NM_003105.6(SORL1):c.406T>C (p.Tyr136His)

Genes: SORL1 (sortilin related receptor 1; plus strand), LOC105369535 (uncharacterized LOC105369535; minus strand). Cytogenetic location: 11q24.1.
Variant type: single nucleotide variant.
Coding change: c.406T>C on transcript NM_003105.6 (MANE Select); coding-DNA position 406, T replaced by C.
Protein change: p.Tyr136His; replaces tyrosine 136 with histidine.
Molecular consequence: missense variant.
Genome position (GRCh38, 1-based): chr11:121,478,121, T>C. VCF-style: chr11-121478121-T-C. GRCh37 (hg19) VCF-style: chr11-121348830-T-C.
Other names: short protein forms Y136H.
Identifiers: ClinVar variation 2775976 (VCV002775976.3), dbSNP rs1759088073, ClinGen allele CA383285181.

ClinVar aggregate classification (germline): Uncertain significance (1 of 4 stars; one submission).

Allele frequency attached by ClinVar (database versions not stated): TOPMed below 0.00001.

Submission:

Labcorp Genetics (formerly Invitae), Labcorp
Classification: Uncertain significance. Last evaluated: 2023-05-30. Review status: criteria provided, single submitter. Criteria: Invitae Variant Classification Sherloc (09022015). Collection method: clinical testing. Allele origin: germline.
Comment: An algorithm developed to predict the effect of missense changes on protein structure and function (PolyPhen-2) suggests that this variant is likely to be disruptive. This sequence change replaces tyrosine, which is neutral and polar, with histidine, which is basic and polar, at codon 136 of the SORL1 protein (p.Tyr136His). This variant is not present in population databases (gnomAD no frequency). This variant has not been reported in the literature in individuals affected with SORL1-related conditions. In summary, the available evidence is currently insufficient to determine the role of this variant in disease. Therefore, it has been classified as a Variant of Uncertain Significance.